The following is an entry in ClinVar:

ClinVar aggregate classification (germline): Likely pathogenic (1 of 4 stars; one submission).

Conditions:
VPS13A-related neurodegenerative disease. Also called: LEVINE-CRITCHLEY SYNDROME; Choreoacanthocytosis; Chorea-acanthocytosis; VPS13A Disease; Choreaacanthocytosis; ACANTHOCYTOSIS WITH NEUROLOGIC DISORDER. Identifiers: Orphanet 2388, MedGen C0393576, MONDO:0008695, OMIM 200150.

gnomAD v4.1: 1 of 1,610,684 alleles (0.000062%); highest among the groups gnomAD compares: Non-Finnish European, 0.000085%; no homozygotes.

Submission:

Natera, Inc.
Classification: Likely pathogenic for Choreaacanthocytosis. Last evaluated: 2025-01-24. Review status: criteria provided, single submitter. Criteria: Natera Variant Classification Schema (03/2026). Collection method: clinical testing. Allele origin: germline.
Comment: The c.2904+1G>A variant in VPS13A is a canonical splice donor site variant predicted to affect pre-mRNA splicing, which may result in an abnormal transcript and altered protein product. This variant is expected to result in nonsense mediated decay, truncation, or a dysfunctional protein product. This variant is rare in the general population with a frequency below the threshold expected for the associated phenotype(s). Given the available evidence, this variant is classified as Likely Pathogenic.

NM_033305.3(VPS13A):c.2904+1G>A

Gene: VPS13A (vacuolar protein sorting 13 homolog A; plus strand). Cytogenetic location: 9q21.2.
Variant type: single nucleotide variant.
Coding change: c.2904+1G>A on transcript NM_033305.3 (MANE Select); the canonical splice donor site of the intron after coding-DNA position 2904, G replaced by A.
Molecular consequence: splice donor variant.
Genome position (GRCh38, 1-based): chr9:77,280,239, G>A. VCF-style: chr9-77280239-G-A. GRCh37 (hg19) VCF-style: chr9-79895155-G-A.
Other names: c.2904+1G>A (NM_001018037.2, NM_015186.4, NM_001018038.3).
Identifiers: ClinVar variation 4063062 (VCV004063062.2).
Genomic context (GRCh38, chr9:77,280,239, plus strand): 5'-TATTTGGTTACAACCCTGGATAACACAATGGAAGACCTGTTAACGCTGGAATATGTAAAG[G>A]TAAGCAGTTTCATTTATATCTGCTTAATATGGTAAGTATGCTGCTGAAATGTTAAGTTTT-3'